The following is an entry in ClinVar:

NM_000321.3(RB1):c.-66del

Gene: RB1 (RB transcriptional corepressor 1; plus strand). Cytogenetic location: 13q14.2.
Variant type: Deletion.
Coding change: c.-66del on transcript NM_000321.3 (MANE Select); 66 bases upstream of the start codon, one base deleted (G; older notation c.-66delG).
Molecular consequence: 5 prime UTR variant.
Genome position (GRCh38, 1-based): chr13:48,303,847, G deleted. VCF-style (leftmost placement, unchanged base first): chr13-48303846-CG-C. GRCh37 (hg19) VCF-style: chr13-48877982-CG-C.
Other names: c.-66del (NM_001407165.1, NM_001407166.1, NM_001407167.1).
Identifiers: ClinVar variation 4729011 (VCV004729011.1).
Genomic context (GRCh38, chr13:48,303,846, plus strand): 5'-TCAGGGGACGTTGAAATTATTTTTGTAACGGGAGTCGGGAGAGGACGGGGCGTGCCCCGA[CG>C]TGCGCGCGCGTCGTCCTCCCCGGCGCTCCTCCACAGCTCGCTGGCTCCCGCCGCGGAAAG-3'

ClinVar aggregate classification (germline): Uncertain significance (1 of 4 stars; one submission).

Conditions:
Retinoblastoma (RB1). Also called: RETINOBLASTOMA, SOMATIC. Identifiers: Orphanet 790, MedGen C0035335, MeSH D012175, MONDO:0008380, OMIM 180200, HP:0009919. Disease mechanism: loss of function. Inheritance: Both sporadic and heritable forms are tested..

Submission:

Labcorp Genetics (formerly Invitae), Labcorp
Classification: Uncertain significance for Retinoblastoma. Last evaluated: 2025-10-25. Review status: criteria provided, single submitter. Criteria: Invitae Variant Classification Sherloc (09022015). Collection method: clinical testing. Allele origin: germline.
Comment: This variant occurs in a non-coding region of the RB1 gene. It does not change the encoded amino acid sequence of the RB1 protein. This variant is not present in population databases (gnomAD no frequency). This variant has not been reported in the literature in individuals affected with RB1-related conditions. Experimental studies and prediction algorithms are not available or were not evaluated, and the functional significance of this variant is currently unknown. In summary, the available evidence is currently insufficient to determine the role of this variant in disease. Therefore, it has been classified as a Variant of Uncertain Significance.